The following is an entry in ClinVar:

NM_183357.3(ADCY5):c.471G>T (p.Glu157Asp)

Gene: ADCY5 (adenylate cyclase 5; minus strand). Cytogenetic location: 3q21.1.
Variant type: single nucleotide variant.
Coding change: c.471G>T on transcript NM_183357.3 (MANE Select); coding-DNA position 471, G replaced by T.
Protein change: p.Glu157Asp; replaces glutamic acid 157 with aspartic acid.
Molecular consequence: missense variant.
Genome position (GRCh38, 1-based): chr3:123,448,075, C>A on the plus strand (G>T on the coding strand, the complement: ADCY5 is on the minus strand). VCF-style: chr3-123448075-C-A. GRCh37 (hg19) VCF-style: chr3-123166922-C-A.
Other names: c.471G>T (NM_183357.2); c.471G>T, p.Glu157Asp (NM_001378259.1); short protein forms E157D.
Identifiers: ClinVar variation 2080852 (VCV002080852.6), dbSNP rs543912318, ClinGen allele CA2577689.

ClinVar aggregate classification (germline): Conflicting classifications of pathogenicity. Review status: criteria provided, conflicting classifications (1 of 4 stars). 3 submissions from 3 submitters: Uncertain significance (2); Benign (1). Last evaluated 2024-08-05.

Conditions:
Inborn genetic diseases. Identifiers: MedGen C0950123, MeSH D030342.

Allele frequency attached by ClinVar (database versions not stated): 1000 Genomes Project 30x 0.00016.
gnomAD v4.1: 39 of 1,230,808 alleles (0.0032%); highest among the groups gnomAD compares: South Asian, 0.094%; no homozygotes.

Submissions (3):

Ambry Genetics
Classification: Uncertain significance for Inborn genetic diseases. Last evaluated: 2024-08-05. Review status: criteria provided, single submitter. Criteria: Ambry Variant Classification Scheme 2023. Collection method: clinical testing. Allele origin: germline.

GeneDx
Classification: Uncertain significance. Last evaluated: 2022-09-19. Review status: criteria provided, single submitter. Criteria: GeneDx Variant Classification Process June 2021. Collection method: clinical testing. Allele origin: germline. Affected: yes.
Comment: In silico analysis supports that this missense variant does not alter protein structure/function; Has not been previously published as pathogenic or benign to our knowledge

Labcorp Genetics (formerly Invitae), Labcorp
Classification: Benign. Last evaluated: 2022-04-10. Review status: criteria provided, single submitter. Criteria: Invitae Variant Classification Sherloc (09022015). Collection method: clinical testing. Allele origin: germline.